The following is an entry in ClinVar:

NM_001113378.2(FANCI):c.868G>A (p.Val290Met)

Gene: FANCI (FA complementation group I; plus strand). Cytogenetic location: 15q26.1.
Variant type: single nucleotide variant.
Coding change: c.868G>A on transcript NM_001113378.2 (MANE Select); coding-DNA position 868, G replaced by A.
Protein change: p.Val290Met; replaces valine 290 with methionine.
Molecular consequence: missense variant.
Genome position (GRCh38, 1-based): chr15:89,268,511, G>A. VCF-style: chr15-89268511-G-A. GRCh37 (hg19) VCF-style: chr15-89811742-G-A.
Other names: c.589G>A, p.Val197Met (NM_001376910.1); c.868G>A, p.Val290Met (NM_001376911.1, NM_018193.3); short protein forms V290M, V197M.
Identifiers: ClinVar variation 317267 (VCV000317267.21), dbSNP rs113772230, ClinGen allele CA7722788.

ClinVar aggregate classification (germline): Benign. Review status: criteria provided, multiple submitters, no conflicts (2 of 4 stars). 6 submissions from 6 submitters: Benign (6). Last evaluated 2026-02-02.

Conditions:
Fanconi anemia complementation group I (FANCI). Also called: FANCI-Related Fanconi Anemia. Identifiers: Orphanet 84, MedGen C1836861, MONDO:0012186, OMIM 609053.
Fanconi anemia (FA). Also called: Fanconi's anemia. Identifiers: Orphanet 84, MedGen C0015625, MeSH D005199, MONDO:0019391.

Allele frequency attached by ClinVar (database versions not stated): gnomAD 0.01634 and 0.01523; 1000 Genomes Project 0.01817; TOPMed 0.01674; 1000 Genomes Project 30x 0.01811; ESP Exome Variant Server 0.01716.
gnomAD v4.1: 4,503 of 1,614,120 alleles (0.28%); highest among the groups gnomAD compares: African/African-American, 5.4%; 110 homozygotes.

Submissions (6):

Labcorp Genetics (formerly Invitae), Labcorp
Classification: Benign for Fanconi anemia. Last evaluated: 2026-02-02. Review status: criteria provided, single submitter. Criteria: Invitae Variant Classification Sherloc (09022015). Collection method: clinical testing. Allele origin: germline.

Dasa
Classification: Benign. Last evaluated: 2024-12-14. Review status: criteria provided, single submitter. Criteria: DASA Assertion Criteria. Collection method: clinical testing. Allele origin: germline.
Comment: NM_001113378.2(FANCI):c.868G>A (p.Val290Met) is a missense variant that results in the substitution of valine with methionine. Population frequency is inconsistent with a disease-causing role for this variant. Therefore, based on the currently available evidence, this variant is classified as benign.

KCCC/NGS Laboratory, Kuwait Cancer Control Center
Classification: Benign for Fanconi anemia complementation group I. Last evaluated: 2023-07-07. Review status: criteria provided, single submitter. Criteria: ACMG Guidelines, 2015. Collection method: clinical testing. Allele origin: germline. Affected: yes.

GeneDx
Classification: Benign. Last evaluated: 2018-10-27. Review status: criteria provided, single submitter. Criteria: GeneDx Variant Classification Process June 2021. Collection method: clinical testing. Allele origin: germline. Affected: yes.

Illumina Laboratory Services, Illumina
Classification: Benign for Fanconi anemia complementation group I. Last evaluated: 2018-01-13. Review status: criteria provided, single submitter. Criteria: ICSL Variant Classification Criteria 13 December 2019. Collection method: clinical testing. Allele origin: germline.
Comment: This variant was observed in the ICSL laboratory as part of a predisposition screen in an ostensibly healthy population. It had not been previously curated by ICSL or reported in the Human Gene Mutation Database (HGMD: prior to June 1st, 2018), and was therefore a candidate for classification through an automated scoring system. Utilizing variant allele frequency, disease prevalence and penetrance estimates, and inheritance mode, an automated score was calculated to assess if this variant is too frequent to cause the disease. Based on the score and internal cut-off values, a variant classified as benign is not then subjected to further curation. The score for this variant resulted in a classification of benign for this disease.

Breakthrough Genomics
Classification: Benign. Review status: criteria provided, single submitter. Criteria: ACMG Guidelines, 2015. Collection method: not provided. Allele origin: germline. Inheritance: Autosomal recessive inheritance. Affected: yes.